The following is an entry in ClinVar:

NM_001165963.4(SCN1A):c.1648TCC[1] (p.Ser551del)

Gene: SCN1A (sodium voltage-gated channel alpha subunit 1; minus strand). Cytogenetic location: 2q24.3.
Variant type: Microsatellite.
Coding change: c.1648TCC[1] on transcript NM_001165963.4 (MANE Select); one copy of the 3-base unit TCC starting at c.1648; the reference has two copies in a row; one copy, 3 bases deleted.
Protein change: p.Ser551del; deletes serine 551.
Molecular consequence: inframe deletion. On other transcripts: 5 prime UTR variant (1), non-coding transcript variant (1).
Genome position (GRCh38, 1-based): chr2:166,045,052-166,045,054, GGA deleted on the plus strand (TCC on the coding strand, the reverse complement: SCN1A is on the minus strand); deleting any 3 consecutive bases within chr2:166,045,052-166,045,058 gives the same sequence; the position shown is the placement nearest the transcript's 3' end. VCF-style (leftmost placement, unchanged base first): chr2-166045051-GGGA-G. GRCh37 (hg19) VCF-style: chr2-166901561-GGGA-G.
Other names: c.1648TCC[1], p.Ser551del (NM_001165964.3, NM_001202435.3, NM_001353948.2 and 7 more transcripts); c.1645TCC[1], p.Ser550del (NM_001353954.2, NM_001353955.2, NM_001353960.2); c.-778TCC[1] (NM_001353961.2); short protein forms S551del, S550del.
Identifiers: ClinVar variation 530498 (VCV000530498.8), dbSNP rs1391693620, ClinGen allele CA658795916.

ClinVar aggregate classification (germline): Uncertain significance (1 of 4 stars; one submission).

Conditions:
Early-infantile DEE. Also called: Ohtahara syndrome; Early infantile epileptic encephalopathy with suppression bursts; Early infantile epileptic encephalopathy. Identifiers: Orphanet 1934, MedGen C0393706, MONDO:0800491.

Submission:

Labcorp Genetics (formerly Invitae), Labcorp
Classification: Uncertain significance for Early-infantile DEE. Last evaluated: 2023-10-17. Review status: criteria provided, single submitter. Criteria: Invitae Variant Classification Sherloc (09022015). Collection method: clinical testing. Allele origin: germline.
Comment: This variant, c.1651_1653del, results in the deletion of 1 amino acid(s) of the SCN1A protein (p.Ser551del), but otherwise preserves the integrity of the reading frame. This variant is not present in population databases (gnomAD no frequency). This variant has not been reported in the literature in individuals affected with SCN1A-related conditions. This variant has been observed in at least one individual who was not affected with SCN1A-related conditions (Invitae). ClinVar contains an entry for this variant (Variation ID: 530498). Experimental studies and prediction algorithms are not available or were not evaluated, and the functional significance of this variant is currently unknown. In summary, the available evidence is currently insufficient to determine the role of this variant in disease. Therefore, it has been classified as a Variant of Uncertain Significance.